The following is an entry in ClinVar:

NM_201384.3(PLEC):c.10834C>T (p.Arg3612Trp)

Gene: PLEC (plectin; minus strand). Cytogenetic location: 8q24.3.
Variant type: single nucleotide variant.
Coding change: c.10834C>T on transcript NM_201384.3 (MANE Select); coding-DNA position 10834, C replaced by T.
Protein change: p.Arg3612Trp; replaces arginine 3612 with tryptophan.
Molecular consequence: missense variant.
Genome position (GRCh38, 1-based): chr8:143,918,987, G>A on the plus strand (C>T on the coding strand, the complement: PLEC is on the minus strand). VCF-style: chr8-143918987-G-A. GRCh37 (hg19) VCF-style: chr8-144993155-G-A.
Other names: c.10915C>T, p.Arg3639Trp (NM_000445.5); c.10792C>T, p.Arg3598Trp (NM_201378.4); c.10768C>T, p.Arg3590Trp (NM_201379.3); c.11245C>T, p.Arg3749Trp (NM_201380.4); c.10738C>T, p.Arg3580Trp (NM_201381.3); c.10834C>T, p.Arg3612Trp (NM_201382.4); c.10846C>T, p.Arg3616Trp (NM_201383.3); c.10915C>T (NM_000445.3); short protein forms R3580W, R3616W, R3590W, R3612W, R3749W, R3598W, R3639W.
Identifiers: ClinVar variation 478585 (VCV000478585.20), dbSNP rs199983097, ClinGen allele CA4924522.

ClinVar aggregate classification (germline): Uncertain significance. Review status: criteria provided, multiple submitters, no conflicts (2 of 4 stars). 6 submissions from 6 submitters: Uncertain significance (6). Last evaluated 2026-07-22.

Conditions:
Autosomal recessive limb-girdle muscular dystrophy type 2Q (LGMDR17). Also called: MUSCULAR DYSTROPHY, LIMB-GIRDLE, AUTOSOMAL RECESSIVE 17. Identifiers: Orphanet 254361, MedGen C3150989, MONDO:0013390, OMIM 613723.
Epidermolysis bullosa simplex 5B, with muscular dystrophy (EBS5B). Also called: EPIDERMOLYSIS BULLOSA SIMPLEX AND LIMB-GIRDLE MUSCULAR DYSTROPHY; Epidermolysis bullosa simplex with muscular dystrophy. Identifiers: Orphanet 257, MedGen C2931072, MONDO:0009181, OMIM 226670.
Epidermolysis bullosa simplex, Ogna type (EBS5A). Also called: Pidermolysis bullosa simplex 5A, Ogna type; EPIDERMOLYSIS BULLOSA SIMPLEX 5A, OGNA TYPE. Identifiers: Orphanet 79401, MedGen C0432317, MONDO:0007555, OMIM 131950.
Epidermolysis bullosa simplex with nail dystrophy (EBS5D). Identifiers: MedGen C4225309, MONDO:0014661, OMIM 616487.
Epidermolysis bullosa simplex 5C, with pyloric atresia (EBS5C). Also called: PLEC-Related Epidermolysis Bullosa with Pyloric Atresia; Epidermolysis bullosa simplex with pyloric atresia; PLEC1-Related Epidermolysis Bullosa with Pyloric Atresia. Identifiers: Orphanet 158684, MedGen C2677349, MONDO:0012807, OMIM 612138.
PLEC-related disorder. Also called: PLEC-related disorders; PLEC-related condition.
Inborn genetic diseases. Identifiers: MedGen C0950123, MeSH D030342.

Allele frequency attached by ClinVar (database versions not stated): gnomAD 0.00007 and 0.00008; gnomAD exomes 0.00008 and 0.00025; 1000 Genomes Project 30x 0.00016; ESP Exome Variant Server 0.00016; TOPMed 0.00019; 1000 Genomes Project 0.00020; ExAC 0.00021.
gnomAD v4.1: 127 of 1,611,150 alleles (0.0079%); highest among the groups gnomAD compares: Admixed American, 0.08%; no homozygotes.

Submissions (6):

PreventionGenetics, part of Exact Sciences
Classification: Uncertain significance for PLEC-related condition. Last evaluated: 2026-07-22. Review status: criteria provided, single submitter. Criteria: ACMG Guidelines, 2015. Collection method: clinical testing. Allele origin: germline.
Comment: The PLEC c.10915C>T variant is predicted to result in the amino acid substitution p.Arg3639Trp. To our knowledge, this variant has not been reported in the literature. This variant is reported in 0.12% of alleles in individuals of Latino descent in gnomAD. Although we suspect that this variant may be benign, at this time, the clinical significance of this variant is uncertain due to the absence of conclusive functional and genetic evidence.

Labcorp Genetics (formerly Invitae), Labcorp
Classification: Uncertain significance for Autosomal recessive limb-girdle muscular dystrophy type 2Q; Epidermolysis bullosa simplex, Ogna type; Epidermolysis bullosa simplex with nail dystrophy; Epidermolysis bullosa simplex 5C, with pyloric atresia; Epidermolysis bullosa simplex 5B, with muscular dystrophy. Last evaluated: 2025-12-17. Review status: criteria provided, single submitter. Criteria: Invitae Variant Classification Sherloc (09022015). Collection method: clinical testing. Allele origin: germline.
Comment: This sequence change replaces arginine, which is basic and polar, with tryptophan, which is neutral and slightly polar, at codon 3639 of the PLEC protein (p.Arg3639Trp). This variant is present in population databases (rs199983097, gnomAD 0.1%). This variant has not been reported in the literature in individuals affected with PLEC-related conditions. ClinVar contains an entry for this variant (Variation ID: 478585). An algorithm developed to predict the effect of missense changes on protein structure and function (PolyPhen-2) suggests that this variant is likely to be disruptive. In summary, the available evidence is currently insufficient to determine the role of this variant in disease. Therefore, it has been classified as a Variant of Uncertain Significance.

Women's Health and Genetics/Laboratory Corporation of America, LabCorp
Classification: Uncertain significance. Last evaluated: 2025-11-11. Review status: criteria provided, single submitter. Criteria: LabCorp Variant Classification Summary - May 2015. Collection method: clinical testing. Allele origin: germline.
Comment: Variant summary: PLEC c.10915C>T (p.Arg3639Trp) results in a non-conservative amino acid change in the encoded protein sequence. Algorithms developed to predict the effect of missense changes on protein structure and function are either unavailable or do not agree on the potential impact of this missense change. The variant allele was found at a frequency of 0.00025 in 247052 control chromosomes. This frequency is not significantly higher than estimated for disease-causing variants in PLEC, allowing no conclusion about variant significance. To our knowledge, no occurrence of c.10915C>T in individuals affected with PLEC-related conditions and no experimental evidence demonstrating its impact on protein function have been reported. ClinVar contains an entry for this variant (Variation ID: 478585). Based on the evidence outlined above, the variant was classified as uncertain significance.

Ambry Genetics
Classification: Uncertain significance for Inborn genetic diseases. Last evaluated: 2025-06-23. Review status: criteria provided, single submitter. Criteria: Ambry Variant Classification Scheme 2023. Collection method: clinical testing. Allele origin: germline.

Revvity Omics, Revvity
Classification: Uncertain significance. Last evaluated: 2022-03-30. Review status: criteria provided, single submitter. Criteria: ACMG Guidelines, 2015. Collection method: clinical testing. Allele origin: germline.

Eurofins Ntd Llc (ga)
Classification: Uncertain significance. Last evaluated: 2017-11-14. Review status: criteria provided, single submitter. Criteria: EGL Classification Definitions 2015. Collection method: clinical testing. Allele origin: germline. Observed: 4 variant alleles, 4 heterozygotes.